The following is an entry in ClinVar:

NM_006767.4(LZTR1):c.1581C>A (p.Phe527Leu)

Gene: LZTR1 (leucine zipper like post translational regulator 1; plus strand). Cytogenetic location: 22q11.21.
Variant type: single nucleotide variant.
Coding change: c.1581C>A on transcript NM_006767.4 (MANE Select); coding-DNA position 1581, C replaced by A.
Protein change: p.Phe527Leu; replaces phenylalanine 527 with leucine.
Molecular consequence: missense variant.
Genome position (GRCh38, 1-based): chr22:20,994,235, C>A. VCF-style: chr22-20994235-C-A. GRCh37 (hg19) VCF-style: chr22-21348524-C-A.
Other names: short protein forms F527L.
Identifiers: ClinVar variation 3993141 (VCV003993141.1).

ClinVar aggregate classification (germline): Uncertain significance (1 of 4 stars; one submission).

Conditions:
Cardiovascular phenotype. Identifiers: MedGen CN230736.
Hereditary cancer-predisposing syndrome. Also called: Tumor predisposition; Hereditary neoplastic syndrome; Neoplastic Syndromes, Hereditary; Hereditary Cancer Syndrome. Identifiers: Orphanet 140162, MedGen C0027672, MeSH D009386, MONDO:0015356.

Submission:

Ambry Genetics
Classification: Uncertain significance for Cardiovascular phenotype; Hereditary cancer-predisposing syndrome. Last evaluated: 2025-05-09. Review status: criteria provided, single submitter. Criteria: Ambry Variant Classification Scheme 2023. Collection method: clinical testing. Allele origin: germline.
Comment: The p.F527L variant (also known as c.1581C>A), located in coding exon 14 of the LZTR1 gene, results from a C to A substitution at nucleotide position 1581. The phenylalanine at codon 527 is replaced by leucine, an amino acid with highly similar properties. This amino acid position is conserved. In addition, the in silico prediction for this alteration is inconclusive. Based on the available evidence, the clinical significance of this variant remains unclear.